The following is an entry in ClinVar:

NM_001267550.2(TTN):c.86265T>C (p.Asp28755=)

Genes: TTN (titin; minus strand), TTN-AS1 (TTN antisense RNA 1; plus strand). Cytogenetic location: 2q31.2.
Variant type: single nucleotide variant.
Coding change: c.86265T>C on transcript NM_001267550.2 (MANE Select); coding-DNA position 86265, T replaced by C.
Protein change: p.Asp28755=; no amino-acid change (aspartic acid 28755 retained).
Molecular consequence: synonymous variant.
Genome position (GRCh38, 1-based): chr2:178,559,867, A>G on the plus strand (T>C on the coding strand, the complement: TTN is on the minus strand). VCF-style: chr2-178559867-A-G. GRCh37 (hg19) VCF-style: chr2-179424594-A-G.
Other names: c.81342T>C, p.Asp27114= (NM_001256850.1); c.59070T>C, p.Asp19690= (NM_003319.4); c.78561T>C, p.Asp26187= (NM_133378.4); c.59445T>C, p.Asp19815= (NM_133432.3); c.59646T>C, p.Asp19882= (NM_133437.4).
Identifiers: ClinVar variation 1750419 (VCV001750419.5), dbSNP rs1702994997, ClinGen allele CA430248232.

ClinVar aggregate classification (germline): Likely benign. Review status: criteria provided, multiple submitters, no conflicts (2 of 4 stars). 3 submissions from 3 submitters: Likely benign (3). Last evaluated 2026-08-01.

Conditions:
Cardiovascular phenotype. Identifiers: MedGen CN230736.
Dilated cardiomyopathy 1G (CMD1G). Identifiers: Orphanet 154, MedGen C1858763, MONDO:0011400, OMIM 604145.
Autosomal recessive limb-girdle muscular dystrophy type 2J (LGMDR10). Also called: Limb-girdle muscular dystrophy, type 2J; MUSCULAR DYSTROPHY, LIMB-GIRDLE, AUTOSOMAL RECESSIVE 10. Identifiers: Orphanet 140922, MedGen C1837342, MONDO:0012127, OMIM 608807.

Allele frequency attached by ClinVar (database versions not stated): TOPMed below 0.00001.

Submissions (3):

CeGaT Center for Human Genetics Tuebingen
Classification: Likely benign. Last evaluated: 2026-08-01. Review status: criteria provided, single submitter. Criteria: CeGaT Center For Human Genetics Tuebingen Variant Classification Criteria Version 2. Collection method: clinical testing. Allele origin: germline. Affected: yes. Observed: 1 variant allele.
Comment: TTN: PM2:Supporting, BP4, BP7

Labcorp Genetics (formerly Invitae), Labcorp
Classification: Likely benign for Dilated cardiomyopathy 1G; Autosomal recessive limb-girdle muscular dystrophy type 2J. Last evaluated: 2025-11-12. Review status: criteria provided, single submitter. Criteria: Invitae Variant Classification Sherloc (09022015). Collection method: clinical testing. Allele origin: germline.

Ambry Genetics
Classification: Likely benign for Cardiovascular phenotype. Last evaluated: 2022-10-23. Review status: criteria provided, single submitter. Criteria: Ambry Variant Classification Scheme 2023. Collection method: clinical testing. Allele origin: germline.